The following is an entry in ClinVar:

ClinVar aggregate classification (germline): Uncertain significance (1 of 4 stars; one submission).

Conditions:
FGF8-related disorder. Also called: FGF8-related condition.

Submission:

PreventionGenetics, part of Exact Sciences
Classification: Uncertain significance for FGF8-related condition. Last evaluated: 2025-03-24. Review status: criteria provided, single submitter. Criteria: ACMG Guidelines, 2015. Collection method: clinical testing. Allele origin: germline.
Comment: The FGF8 c.337G>A variant is predicted to result in the amino acid substitution p.Ala113Thr. To our knowledge, this variant has not been reported in the literature or in a large population database (gnomAD), indicating this variant is rare. At this time, the clinical significance of this variant is uncertain due to the absence of conclusive functional and genetic evidence.

NM_033163.5(FGF8):c.337G>A (p.Ala113Thr)

Gene: FGF8 (fibroblast growth factor 8; minus strand). Cytogenetic location: 10q24.32.
Variant type: single nucleotide variant.
Coding change: c.337G>A on transcript NM_033163.5 (MANE Select); coding-DNA position 337, G replaced by A.
Protein change: p.Ala113Thr; replaces alanine 113 with threonine.
Molecular consequence: missense variant.
Genome position (GRCh38, 1-based): chr10:101,774,732, C>T on the plus strand (G>A on the coding strand, the complement: FGF8 is on the minus strand). VCF-style: chr10-101774732-C-T. GRCh37 (hg19) VCF-style: chr10-103534489-C-T.
Other names: c.25G>A, p.Ala9Thr (NM_001206389.2); c.250G>A, p.Ala84Thr (NM_006119.6); c.304G>A, p.Ala102Thr (NM_033164.4); c.217G>A, p.Ala73Thr (NM_033165.5); short protein forms A102T, A9T, A84T, A113T, A73T.
Identifiers: ClinVar variation 5002416 (VCV005002416.1).